The following is an entry in ClinVar:

NM_005529.7(HSPG2):c.1970T>C (p.Leu657Pro)

Gene: HSPG2 (heparan sulfate proteoglycan 2; minus strand). Cytogenetic location: 1p36.12.
Variant type: single nucleotide variant.
Coding change: c.1970T>C on transcript NM_005529.7 (MANE Select); coding-DNA position 1970, T replaced by C.
Protein change: p.Leu657Pro; replaces leucine 657 with proline.
Molecular consequence: missense variant.
Genome position (GRCh38, 1-based): chr1:21,880,684, A>G on the plus strand (T>C on the coding strand, the complement: HSPG2 is on the minus strand). VCF-style: chr1-21880684-A-G. GRCh37 (hg19) VCF-style: chr1-22207177-A-G.
Other names: c.1973T>C, p.Leu658Pro (NM_001291860.2); c.1970T>C (NM_005529.5); short protein forms L657P, L658P.
Identifiers: ClinVar variation 2053234 (VCV002053234.5), dbSNP rs762408205, ClinGen allele CA673234.

ClinVar aggregate classification (germline): Uncertain significance. Review status: criteria provided, multiple submitters, no conflicts (2 of 4 stars). 3 submissions from 3 submitters: Uncertain significance (3). Last evaluated 2025-11-03.

Conditions:
Inborn genetic diseases. Identifiers: MedGen C0950123, MeSH D030342.

Allele frequency attached by ClinVar (database versions not stated): gnomAD 0.00002; TOPMed 0.00002; ExAC 0.00002; gnomAD exomes 0.00004.
gnomAD v4.1: 25 of 1,599,326 alleles (0.0016%); highest among the groups gnomAD compares: Admixed American, 0.04%; no homozygotes.

Submissions (3):

Ambry Genetics
Classification: Uncertain significance for Inborn genetic diseases. Last evaluated: 2025-11-03. Review status: criteria provided, single submitter. Criteria: Ambry Variant Classification Scheme 2023. Collection method: clinical testing. Allele origin: germline.

Labcorp Genetics (formerly Invitae), Labcorp
Classification: Uncertain significance. Last evaluated: 2022-07-30. Review status: criteria provided, single submitter. Criteria: Invitae Variant Classification Sherloc (09022015). Collection method: clinical testing. Allele origin: germline.
Comment: This sequence change replaces leucine, which is neutral and non-polar, with proline, which is neutral and non-polar, at codon 657 of the HSPG2 protein (p.Leu657Pro). This variant is present in population databases (rs762408205, gnomAD 0.04%). This variant has not been reported in the literature in individuals affected with HSPG2-related conditions. Algorithms developed to predict the effect of missense changes on protein structure and function output the following: SIFT: "Tolerated"; PolyPhen-2: "Benign"; Align-GVGD: "Class C0". The proline amino acid residue is found in multiple mammalian species, which suggests that this missense change does not adversely affect protein function. In summary, the available evidence is currently insufficient to determine the role of this variant in disease. Therefore, it has been classified as a Variant of Uncertain Significance.

Revvity Omics, Revvity
Classification: Uncertain significance. Last evaluated: 2019-02-26. Review status: criteria provided, single submitter. Criteria: ACMG Guidelines, 2015. Collection method: clinical testing. Allele origin: germline.